The following is an entry in ClinVar:

ClinVar aggregate classification (germline): Pathogenic (1 of 4 stars; one submission).

Submission:

ISCA site 17
Classification: Pathogenic. Last evaluated: 2011-08-12. Review status: criteria provided, single submitter. Criteria: Kaminsky et al. (Genet Med. 2011). Collection method: clinical testing. Allele origin: unknown. Affected: yes. Observed: 1 variant allele.
Comment: Copy number variation identified through the course of routine clinical cytogenomic testing in postnatal populations. Clinical assertions have been curated as described in Kaminsky et al. 2011.

GRCh38/hg38 8q22.1(chr8:92755532-97792132)x1

Genes: CCNE2 (cyclin E2; minus strand), CDH17 (cadherin 17; minus strand), CFAP418 (cilia and flagella associated protein 418; minus strand), CFAP418-AS1 (CFAP418 antisense RNA 1; plus strand), CIBAR1 (CBY1 interacting BAR domain containing 1; plus strand) and 136 more. Cytogenetic location: 8q22.1.
Variant type: copy number loss.
Change: copy number 1 (one copy instead of two) of chr8:92,755,532-97,792,132 (5.04 Mb, GRCh38 coordinates, 1-based), cytogenetic band 8q22.1.
Identifiers: ClinVar variation 60387 (VCV000060387.1).